The following is an entry in ClinVar:

NM_001377.3(DYNC2H1):c.8225A>G (p.Glu2742Gly)

Gene: DYNC2H1 (dynein cytoplasmic 2 heavy chain 1; plus strand). Cytogenetic location: 11q22.3.
Variant type: single nucleotide variant.
Coding change: c.8225A>G on transcript NM_001377.3 (MANE Select); coding-DNA position 8225, A replaced by G.
Protein change: p.Glu2742Gly; replaces glutamic acid 2742 with glycine.
Molecular consequence: missense variant.
Genome position (GRCh38, 1-based): chr11:103,203,690, A>G. VCF-style: chr11-103203690-A-G. GRCh37 (hg19) VCF-style: chr11-103074419-A-G.
Other names: c.8225A>G, p.Glu2742Gly (NM_001080463.2); short protein forms E2742G.
Identifiers: ClinVar variation 1394700 (VCV001394700.8), dbSNP rs989892852, ClinGen allele CA382257677.

ClinVar aggregate classification (germline): Uncertain significance (1 of 4 stars; one submission).

Conditions:
Jeune thoracic dystrophy. Also called: Jeune syndrome; Infantile thoracic dystrophy; Thoracic pelvic phalangeal dystrophy; Jeune's syndrome; Chondroectodermal dysplasia-like syndrome; Short-rib thoracic dysplasia. Identifiers: Orphanet 474, MedGen C0265275, MONDO:0018770.

Submission:

Labcorp Genetics (formerly Invitae), Labcorp
Classification: Uncertain significance for Jeune thoracic dystrophy. Last evaluated: 2021-05-12. Review status: criteria provided, single submitter. Criteria: Invitae Variant Classification Sherloc (09022015). Collection method: clinical testing. Allele origin: germline.
Comment: In summary, the available evidence is currently insufficient to determine the role of this variant in disease. Therefore, it has been classified as a Variant of Uncertain Significance. Advanced modeling of protein sequence and biophysical properties (such as structural, functional, and spatial information, amino acid conservation, physicochemical variation, residue mobility, and thermodynamic stability) performed at Invitae indicates that this missense variant is not expected to disrupt DYNC2H1 protein function. This variant has not been reported in the literature in individuals with DYNC2H1-related conditions. This variant is not present in population databases (ExAC no frequency). This sequence change replaces glutamic acid with glycine at codon 2742 of the DYNC2H1 protein (p.Glu2742Gly). The glutamic acid residue is highly conserved and there is a moderate physicochemical difference between glutamic acid and glycine.